The following is an entry in ClinVar:

NM_000256.3(MYBPC3):c.2470G>A (p.Asp824Asn)

Gene: MYBPC3 (myosin binding protein C3; minus strand). Cytogenetic location: 11p11.2.
Variant type: single nucleotide variant.
Coding change: c.2470G>A on transcript NM_000256.3 (MANE Select); coding-DNA position 2470, G replaced by A.
Protein change: p.Asp824Asn; replaces aspartic acid 824 with asparagine.
Molecular consequence: missense variant.
Genome position (GRCh38, 1-based): chr11:47,337,523, C>T on the plus strand (G>A on the coding strand, the complement: MYBPC3 is on the minus strand). VCF-style: chr11-47337523-C-T. GRCh37 (hg19) VCF-style: chr11-47359074-C-T.
Other names: short protein forms D824N.
Identifiers: ClinVar variation 925971 (VCV000925971.12), dbSNP rs774442478, ClinGen allele CA078743.

ClinVar aggregate classification (germline): Uncertain significance. Review status: criteria provided, multiple submitters, no conflicts (2 of 4 stars). 4 submissions from 4 submitters: Uncertain significance (4). Last evaluated 2025-03-03.

Conditions:
Cardiomyopathy (CMYO). Also called: Cardiomyopathies. Identifiers: Orphanet 167848, MedGen C0878544, MONDO:0004994, HP:0001638. Inheritance: Various modes of inheritance.
Hypertrophic cardiomyopathy 4. Also called: Familial hypertrophic cardiomyopathy 4. Identifiers: MedGen C1861862, MONDO:0007268, OMIM 115197.
Cardiovascular phenotype. Identifiers: MedGen CN230736.
Hypertrophic cardiomyopathy. Also called: HYPERTROPHIC MYOCARDIOPATHY. Identifiers: Orphanet 217569, MedGen C0007194, MeSH D002312, MONDO:0005045, HP:0001639.

Allele frequency attached by ClinVar (database versions not stated): gnomAD below 0.00001 and 0.00002; TOPMed below 0.00001; ExAC 0.00001; gnomAD exomes 0.00001.
gnomAD v4.1: 15 of 1,613,890 alleles (0.00093%); highest among the groups gnomAD compares: South Asian, 0.0077%; no homozygotes.

Submissions (4):

Color Diagnostics, LLC DBA Color Health
Classification: Uncertain significance for Cardiomyopathy. Last evaluated: 2025-03-03. Review status: criteria provided, single submitter. Criteria: ACMG Guidelines, 2015. Collection method: clinical testing. Allele origin: germline.
Comment: This missense variant replaces aspartic acid with asparagine at codon 824 of the MYBPC3 protein. Computational prediction suggests that this variant may not impact protein structure and function. To our knowledge, functional studies have not been reported for this variant. This variant has been reported in an individual affected with hypertrophic cardiomyopathy, who also carried a frameshift variant in the MYH7 gene (DOI: 10.1016/j.ejmhg.2017.05.002). This variant has been identified in 3/249208 chromosomes in the general population by the Genome Aggregation Database (gnomAD). The available evidence is insufficient to determine the role of this variant in disease conclusively. Therefore, this variant is classified as a Variant of Uncertain Significance.

Genomic Medicine Center of Excellence, King Faisal Specialist Hospital and Research Centre
Classification: Uncertain significance for Hypertrophic cardiomyopathy 4. Last evaluated: 2024-03-29. Review status: criteria provided, single submitter. Criteria: ACMG Guidelines, 2015. Collection method: clinical testing. Allele origin: germline.

Labcorp Genetics (formerly Invitae), Labcorp
Classification: Uncertain significance for Hypertrophic cardiomyopathy. Last evaluated: 2023-12-22. Review status: criteria provided, single submitter. Criteria: Invitae Variant Classification Sherloc (09022015). Collection method: clinical testing. Allele origin: germline.
Comment: This sequence change replaces aspartic acid, which is acidic and polar, with asparagine, which is neutral and polar, at codon 824 of the MYBPC3 protein (p.Asp824Asn). This variant is present in population databases (rs774442478, gnomAD 0.006%). This variant has not been reported in the literature in individuals affected with MYBPC3-related conditions. ClinVar contains an entry for this variant (Variation ID: 925971). An algorithm developed to predict the effect of missense changes on protein structure and function (PolyPhen-2) suggests that this variant is likely to be disruptive. In summary, the available evidence is currently insufficient to determine the role of this variant in disease. Therefore, it has been classified as a Variant of Uncertain Significance.

Ambry Genetics
Classification: Uncertain significance for Cardiovascular phenotype. Last evaluated: 2021-09-14. Review status: criteria provided, single submitter. Criteria: Ambry Variant Classification Scheme 2023. Collection method: clinical testing. Allele origin: germline.
Comment: The p.D824N variant (also known as c.2470G>A), located in coding exon 25 of the MYBPC3 gene, results from a G to A substitution at nucleotide position 2470. The aspartic acid at codon 824 is replaced by asparagine, an amino acid with highly similar properties. This amino acid position is highly conserved in available vertebrate species. In addition, this alteration is predicted to be tolerated by in silico analysis. Since supporting evidence is limited at this time, the clinical significance of this alteration remains unclear.